The following is an entry in ClinVar:

ClinVar aggregate classification (germline): Uncertain significance (1 of 4 stars; one submission).

Submission:

Labcorp Genetics (formerly Invitae), Labcorp
Classification: Uncertain significance. Last evaluated: 2025-06-23. Review status: criteria provided, single submitter. Criteria: Invitae Variant Classification Sherloc (09022015). Collection method: clinical testing. Allele origin: germline.
Comment: This sequence change replaces serine, which is neutral and polar, with glycine, which is neutral and non-polar, at codon 868 of the FN1 protein (p.Ser868Gly). This variant is not present in population databases (gnomAD no frequency). This variant has not been reported in the literature in individuals affected with FN1-related conditions. An algorithm developed to predict the effect of missense changes on protein structure and function (PolyPhen-2) suggests that this variant is likely to be disruptive. In summary, the available evidence is currently insufficient to determine the role of this variant in disease. Therefore, it has been classified as a Variant of Uncertain Significance.

NM_212482.4(FN1):c.2602A>G (p.Ser868Gly)

Gene: FN1 (fibronectin 1; minus strand). Cytogenetic location: 2q35.
Variant type: single nucleotide variant.
Coding change: c.2602A>G on transcript NM_212482.4 (MANE Select); coding-DNA position 2602, A replaced by G.
Protein change: p.Ser868Gly; replaces serine 868 with glycine.
Molecular consequence: missense variant.
Genome position (GRCh38, 1-based): chr2:215,407,238, T>C on the plus strand (A>G on the coding strand, the complement: FN1 is on the minus strand). VCF-style: chr2-215407238-T-C. GRCh37 (hg19) VCF-style: chr2-216271961-T-C.
Other names: c.2602A>G, p.Ser868Gly (NM_212474.3, NM_212476.3, NM_212478.3 and 13 more transcripts); short protein forms S868G.
Identifiers: ClinVar variation 4781260 (VCV004781260.1).